The following is an entry in ClinVar:

NM_000497.4(CYP11B1):c.29G>A (p.Cys10Tyr)

Genes: CYP11B1 (cytochrome P450 family 11 subfamily B member 1; minus strand), LOC110673972 (CYP11B1 promoter; plus strand). Cytogenetic location: 8q24.3.
Variant type: single nucleotide variant.
Coding change: c.29G>A on transcript NM_000497.4 (MANE Select); coding-DNA position 29, G replaced by A.
Protein change: p.Cys10Tyr; replaces cysteine 10 with tyrosine.
Molecular consequence: missense variant.
Genome position (GRCh38, 1-based): chr8:142,879,785, C>T on the plus strand (G>A on the coding strand, the complement: CYP11B1 is on the minus strand). VCF-style: chr8-142879785-C-T. GRCh37 (hg19) VCF-style: chr8-143961201-C-T.
Other names: c.29G>A, p.Cys10Tyr (NM_001026213.1); short protein forms C10Y.
Identifiers: ClinVar variation 1050514 (VCV001050514.10), dbSNP rs6405, ClinGen allele CA4905738.

ClinVar aggregate classification (germline): Likely benign. Review status: criteria provided, multiple submitters, no conflicts (2 of 4 stars). 3 submissions from 3 submitters: Likely benign (2). 1 of the submissions does not count toward it. Last evaluated 2026-01-27.

Conditions:
Glucocorticoid-remediable aldosteronism. Also called: FH I; GLUCOCORTICOID-SUPPRESSIBLE HYPERALDOSTERONISM; ACTH-DEPENDENT HYPERALDOSTERONISM SYNDROME; ALDOSTERONISM, SENSITIVE TO DEXAMETHASONE; Hyperaldosteronism, familial, type I. Identifiers: Orphanet 403, MedGen C3838731, MONDO:0007080, OMIM 103900.
Deficiency of steroid 11-beta-monooxygenase (CYP11B1). Also called: ADRENAL HYPERPLASIA IV; STEROID 11-BETA-HYDROXYLASE DEFICIENCY; ADRENAL HYPERPLASIA, CONGENITAL, DUE TO STEROID 11-BETA-HYDROXYLASE DEFICIENCY; 11-BETA-HYDROXYLASE DEFICIENCY; P450C11B1 DEFICIENCY; Congenital adrenal hyperplasia due to 11-beta-hydroxylase deficiency. Identifiers: Orphanet 90795, MedGen C0268292, MONDO:0008729, OMIM 202010. Disease mechanism: loss of function.

Allele frequency attached by ClinVar (database versions not stated): ExAC 0.00019; gnomAD 0.00042 and 0.00049; 1000 Genomes Project 30x 0.00062; TOPMed 0.00063; 1000 Genomes Project 0.00080; ESP Exome Variant Server 0.00092; gnomAD exomes 0.00015.
gnomAD v4.1: 126 of 1,614,074 alleles (0.0078%); highest among the groups gnomAD compares: African/African-American, 0.14%; no homozygotes.

Submissions (3):

Labcorp Genetics (formerly Invitae), Labcorp
Classification: Likely benign. Last evaluated: 2026-01-27. Review status: criteria provided, single submitter. Criteria: Invitae Variant Classification Sherloc (09022015). Collection method: clinical testing. Allele origin: germline.

Fulgent Genetics
Classification: Likely benign for Glucocorticoid-remediable aldosteronism; Deficiency of steroid 11-beta-monooxygenase. Last evaluated: 2021-08-04. Review status: criteria provided, single submitter. Criteria: ACMG Guidelines, 2015. Collection method: clinical testing. Allele origin: unknown.

Department of Pathology and Laboratory Medicine, Sinai Health System
Classification: Uncertain significance. Review status: no assertion criteria provided. Collection method: clinical testing. Allele origin: unknown. Affected: yes. Study: The Canadian Open Genetics Repository (COGR). Not counted in ClinVar's aggregate classification.
Comment: The CYP11B1 p.Cys10Tyr variant was identified in the literature however odds of breast cancer were found to be lower among heterozygotes for the p.Cys10Tyr variant than among controls (Listgarten_2004_PMID:15102677). The variant was also identified in dbSNP (ID: rs6405) and LOVD 3.0 but was not identified in ClinVar or Cosmic databases. The variant was identified in control databases in 51 of 282366 chromosomes at a frequency of 0.000181 (Genome Aggregation Database Feb 27, 2017). The variant was observed in the following populations: African in 45 of 24964 chromosomes (freq: 0.001803), Other in 2 of 7218 chromosomes (freq: 0.000277) and Latino in 4 of 35440 chromosomes (freq: 0.000113); it was not observed in the Ashkenazi Jewish, East Asian, European (Finnish), European (non-Finnish) or South Asian populations. The p.Cys10Tyr residue is not conserved in mammals and four out of five computational analyses (PolyPhen-2, SIFT, AlignGVGD, MutationTaster) do not suggest a high likelihood of impact to the protein; however, this information is not predictive enough to rule out pathogenicity. The variant occurs outside of the splicing consensus sequence and 2 of 4 in silico or computational prediction software programs (SpliceSiteFinder, MaxEntScan) predict a greater than 10% difference in splicing; this is not very predictive of pathogenicity. In summary, based on the above information the clinical significance of this variant cannot be determined with certainty at this time. This variant is classified as a variant of uncertain significance.